The following is an entry in ClinVar:

ClinVar aggregate classification (germline): Uncertain significance (1 of 4 stars; one submission).

Conditions:
Paroxysmal nonkinesigenic dyskinesia. Also called: Paroxysmal non-kinesigenic dyskinesia. Identifiers: Orphanet 98810, MedGen C1869117, MONDO:0700088.

Submission:

Labcorp Genetics (formerly Invitae), Labcorp
Classification: Uncertain significance for Paroxysmal nonkinesigenic dyskinesia. Last evaluated: 2021-05-19. Review status: criteria provided, single submitter. Criteria: Invitae Variant Classification Sherloc (09022015). Collection method: clinical testing. Allele origin: germline.
Comment: This sequence change creates a premature translational stop signal (p.Tyr90Leufs*17) in the PNKD gene. It is expected to result in an absent or disrupted protein product. However, the current clinical and genetic evidence is not sufficient to establish whether loss-of-function variants in PNKD cause disease. In summary, the available evidence is currently insufficient to determine the role of this variant in disease. Therefore, it has been classified as a Variant of Uncertain Significance. This variant has not been reported in the literature in individuals with PNKD-related conditions. This variant is not present in population databases (ExAC no frequency).

NM_015488.5(PNKD):c.268dup (p.Tyr90fs)

Genes: CATIP-AS2 (CATIP antisense RNA 2; minus strand), PNKD (PNKD metallo-beta-lactamase domain containing; plus strand). Cytogenetic location: 2q35.
Variant type: Duplication.
Coding change: c.268dup on transcript NM_015488.5 (MANE Select); coding-DNA position 268, one base duplicated (T; older notation c.268dupT).
Protein change: p.Tyr90fs; shifts the reading frame from tyrosine 90.
Molecular consequence: frameshift variant.
Genome position (GRCh38, 1-based): chr2:218,339,814, T duplicated. VCF-style (leftmost placement, unchanged base first): chr2-218339813-G-GT. GRCh37 (hg19) VCF-style: chr2-219204536-G-GT.
Other names: c.196dup, p.Tyr66Leufs (NM_022572.5); short protein forms Y66fs, Y90fs.
Identifiers: ClinVar variation 1444365 (VCV001444365.6), dbSNP rs2106292758, ClinGen allele CA2573135295.